The following is an entry in ClinVar:

NM_173551.5(ANKS6):c.2326+5G>C

Gene: ANKS6 (ankyrin repeat and sterile alpha motif domain containing 6; minus strand). Cytogenetic location: 9q22.33.
Variant type: single nucleotide variant.
Coding change: c.2326+5G>C on transcript NM_173551.5 (MANE Select); 5 bases into the intron after coding-DNA position 2326, G replaced by C.
Molecular consequence: intron variant.
Genome position (GRCh38, 1-based): chr9:98,756,415, C>G on the plus strand (G>C on the coding strand, the complement: ANKS6 is on the minus strand). VCF-style: chr9-98756415-C-G. GRCh37 (hg19) VCF-style: chr9-101518697-C-G.
Identifiers: ClinVar variation 3901052 (VCV003901052.1).

ClinVar aggregate classification (germline): Uncertain significance (1 of 4 stars; one submission).

Conditions:
Nephronophthisis 16 (NPHP16). Identifiers: Orphanet 655, MedGen C3809320, MONDO:0014158, OMIM 615382.

Submission:

Laboratorio de Genetica e Diagnostico Molecular, Hospital Israelita Albert Einstein
Classification: Uncertain significance for Nephronophthisis 16. Last evaluated: 2023-08-03. Review status: criteria provided, single submitter. Criteria: ACMG Guidelines, 2015. Collection method: clinical testing. Allele origin: germline. Affected: yes.
Comment: ACMG classification criteria: PM2 moderate, PP3 supporting